The following is an entry in ClinVar:

NM_001042750.2(STAG2):c.3533C>G (p.Ala1178Gly)

Gene: STAG2 (STAG2 cohesin complex component; plus strand). Cytogenetic location: Xq25.
Variant type: single nucleotide variant.
Coding change: c.3533C>G on transcript NM_001042750.2 (MANE Select); coding-DNA position 3533, C replaced by G.
Protein change: p.Ala1178Gly; replaces alanine 1178 with glycine.
Molecular consequence: missense variant. On other transcripts: intron variant (8).
Genome position (GRCh38, 1-based): chrX:124,090,919, C>G. VCF-style: chrX-124090919-C-G. GRCh37 (hg19) VCF-style: chrX-123224769-C-G.
Other names: c.3533C>G, p.Ala1178Gly (NM_001042749.2, NM_001375366.1, NM_001375367.1 and 5 more transcripts); c.3467+155C>G (NM_001375373.1, NM_001375374.1, NM_001282418.2 and 5 more transcripts); short protein forms A1178G.
Identifiers: ClinVar variation 3372445 (VCV003372445.1).

ClinVar aggregate classification (germline): Uncertain significance (1 of 4 stars; one submission).

gnomAD v4.1: 2 of 1,208,982 alleles (0.00017%); highest among the groups gnomAD compares: Non-Finnish European, 0.00022%; no homozygotes.

Submission:

GeneDx
Classification: Uncertain significance. Last evaluated: 2024-04-18. Review status: criteria provided, single submitter. Criteria: GeneDx Variant Classification Process June 2021. Collection method: clinical testing. Allele origin: germline. Affected: yes.
Comment: Not observed at significant frequency in large population cohorts (gnomAD); In silico analysis indicates that this missense variant does not alter protein structure/function; Has not been previously published as pathogenic or benign to our knowledge